The following is an entry in ClinVar:

NM_000138.5(FBN1):c.8560C>T (p.Leu2854Phe)

Gene: FBN1 (fibrillin 1; minus strand). Cytogenetic location: 15q21.1.
Variant type: single nucleotide variant.
Coding change: c.8560C>T on transcript NM_000138.5 (MANE Select); coding-DNA position 8560, C replaced by T.
Protein change: p.Leu2854Phe; replaces leucine 2854 with phenylalanine.
Molecular consequence: missense variant.
Genome position (GRCh38, 1-based): chr15:48,411,046, G>A on the plus strand (C>T on the coding strand, the complement: FBN1 is on the minus strand). VCF-style: chr15-48411046-G-A. GRCh37 (hg19) VCF-style: chr15-48703243-G-A.
Other names: c.8560C>T, p.Leu2854Phe (NM_001406716.1); short protein forms L2854F.
Identifiers: ClinVar variation 4757753 (VCV004757753.2).

ClinVar aggregate classification (germline): Uncertain significance. Review status: criteria provided, multiple submitters, no conflicts (2 of 4 stars). 2 submissions from 2 submitters: Uncertain significance (2). Last evaluated 2025-12-26.

Conditions:
Familial thoracic aortic aneurysm and aortic dissection (TAAD). Also called: Thoracic aortic aneurysms and dissections. Identifiers: Orphanet 91387, MedGen C4707243, MONDO:0019625.

Submissions (2):

Ambry Genetics
Classification: Uncertain significance for Familial thoracic aortic aneurysm and aortic dissection. Last evaluated: 2025-12-26. Review status: criteria provided, single submitter. Criteria: Ambry Variant Classification Scheme 2023. Collection method: clinical testing. Allele origin: germline.
Comment: The p.L2854F variant (also known as c.8560C>T), located in coding exon 65 of the FBN1 gene, results from a C to T substitution at nucleotide position 8560. The leucine at codon 2854 is replaced by phenylalanine, an amino acid with highly similar properties. This amino acid position is conserved. In addition, this alteration is predicted to be deleterious by in silico analysis. Based on the available evidence, the clinical significance of this variant remains unclear.

Color Diagnostics, LLC DBA Color Health
Classification: Uncertain significance for Familial thoracic aortic aneurysm and aortic dissection. Last evaluated: 2025-08-07. Review status: criteria provided, single submitter. Criteria: ACMG Guidelines, 2015. Collection method: clinical testing. Allele origin: germline.
Comment: This missense variant replaces leucine with phenylalanine at codon 2854 of the FBN1 protein. Computational prediction is inconclusive regarding the impact of this variant on protein structure and function. To our knowledge, functional studies have not been reported for this variant. This variant has not been reported in individuals affected with FBN1-related disorders in the literature. This variant has not been identified in the general population by the Genome Aggregation Database (gnomAD). The available evidence is insufficient to determine the role of this variant in disease conclusively. Therefore, this variant is classified as a Variant of Uncertain Significance.